The following is an entry in ClinVar:

ClinVar aggregate classification (germline): Pathogenic. Review status: criteria provided, multiple submitters, no conflicts (2 of 4 stars). 2 submissions from 2 submitters: Pathogenic (2). Last evaluated 2026-01-13.

Conditions:
Hereditary cancer-predisposing syndrome. Also called: Neoplastic Syndromes, Hereditary; Tumor predisposition; Hereditary Cancer Syndrome; Hereditary neoplastic syndrome. Identifiers: Orphanet 140162, MedGen C0027672, MeSH D009386, MONDO:0015356.

Submissions (2):

Ambry Genetics
Classification: Pathogenic for Hereditary cancer-predisposing syndrome. Last evaluated: 2026-01-13. Review status: criteria provided, single submitter. Criteria: Ambry Variant Classification Scheme 2023. Collection method: clinical testing. Allele origin: germline.
Comment: The p.E154* pathogenic mutation (also known as c.460G>T), located in coding exon 3 of the MSH3 gene, results from a G to T substitution at nucleotide position 460. This changes the amino acid from a glutamic acid to a stop codon within coding exon 3. This variant is considered to be rare based on population cohorts in the Genome Aggregation Database (gnomAD). This alteration is expected to result in loss of function by premature protein truncation or nonsense-mediated mRNA decay. As such, this alteration is interpreted as a disease-causing mutation.

Labcorp Genetics (formerly Invitae), Labcorp
Classification: Pathogenic. Last evaluated: 2021-09-23. Review status: criteria provided, single submitter. Criteria: Invitae Variant Classification Sherloc (09022015). Collection method: clinical testing. Allele origin: germline.
Comment: For these reasons, this variant has been classified as Pathogenic. This variant has not been reported in the literature in individuals affected with MSH3-related conditions. This variant is not present in population databases (ExAC no frequency). This sequence change creates a premature translational stop signal (p.Glu154*) in the MSH3 gene. It is expected to result in an absent or disrupted protein product. Loss-of-function variants in MSH3 are known to be pathogenic (PMID: 27476653).

Literature cited by the submitters: PubMed 27476653 (cited by Labcorp Genetics (formerly Invitae), Labcorp).

NM_002439.5(MSH3):c.460G>T (p.Glu154Ter)

Gene: MSH3 (mutS homolog 3; plus strand). Cytogenetic location: 5q14.1.
Variant type: single nucleotide variant.
Coding change: c.460G>T on transcript NM_002439.5 (MANE Select); coding-DNA position 460, G replaced by T.
Protein change: p.Glu154Ter; replaces glutamic acid 154 with a stop codon.
Molecular consequence: nonsense.
Genome position (GRCh38, 1-based): chr5:80,665,244, G>T. VCF-style: chr5-80665244-G-T. GRCh37 (hg19) VCF-style: chr5-79961063-G-T.
Other names: c.460G>T (NM_002439.3); short protein forms E154*.
Identifiers: ClinVar variation 1455853 (VCV001455853.7), dbSNP rs771370664, ClinGen allele CA360263563.